The following is an entry in ClinVar:

NM_002691.4(POLD1):c.901del (p.Glu301fs)

Gene: POLD1 (DNA polymerase delta 1, catalytic subunit; plus strand). Cytogenetic location: 19q13.33.
Variant type: Deletion.
Coding change: c.901del on transcript NM_002691.4 (MANE Select); coding-DNA position 901, one base deleted (G; older notation c.901delG).
Protein change: p.Glu301fs; shifts the reading frame from glutamic acid 301.
Molecular consequence: frameshift variant. On other transcripts: non-coding transcript variant (1).
Genome position (GRCh38, 1-based): chr19:50,402,672, G deleted; the last of 2 consecutive G bases (chr19:50,402,671-50,402,672); deleting either gives the same sequence. VCF-style (leftmost placement, unchanged base first): chr19-50402670-CG-C. GRCh37 (hg19) VCF-style: chr19-50905927-CG-C.
Other names: c.901del, p.Glu301fs (NM_001256849.1, NM_001308632.1); short protein forms E301fs.
Identifiers: ClinVar variation 537035 (VCV000537035.8), dbSNP rs1555790257, ClinGen allele CA658799295.

ClinVar aggregate classification (germline): Uncertain significance (1 of 4 stars; one submission).

Conditions:
POLD1-related polyposis and colorectal cancer syndrome (CRCS10). Also called: Colorectal cancer 10; COLORECTAL CANCER, SUSCEPTIBILITY TO, ON CHROMOSOME 19q; Colorectal cancer, susceptibility to, 10. Identifiers: Orphanet 220460, MedGen C2675481, MONDO:0012953, OMIM 612591.

Submission:

Labcorp Genetics (formerly Invitae), Labcorp
Classification: Uncertain significance for POLD1-related polyposis and colorectal cancer syndrome. Last evaluated: 2020-11-16. Review status: criteria provided, single submitter. Criteria: Invitae Variant Classification Sherloc (09022015). Collection method: clinical testing. Allele origin: germline.
Comment: Missense variants that disrupt the 3'-5' exonuclease (proof-reading) activity of the POLD1 protein, while not abolishing its polymerase enzyme activity, are associated with an increased risk for colonic adenomatous polyps and colon cancer (PMID: 23263490, 23447401). Loss-of-function truncating variants, which result in an absent or severely disrupted POLD1 protein, are therefore unlikely to be associated with disease. Without further clinical and genetic evidence, however, this variant has been classified as a Variant of Uncertain Significance. This variant has not been reported in the literature in individuals with POLD1-related disease. This variant is not present in population databases (ExAC no frequency). This sequence change creates a premature translational stop signal (p.Glu301Lysfs*92) in the POLD1 gene. It is expected to result in an absent or disrupted protein product.

Literature cited by the submitters: PubMed 23263490; PubMed 23447401.